The following is an entry in ClinVar:

NM_000321.3(RB1):c.-2T>G

Gene: RB1 (RB transcriptional corepressor 1; plus strand). Cytogenetic location: 13q14.2.
Variant type: single nucleotide variant.
Coding change: c.-2T>G on transcript NM_000321.3 (MANE Select); 2 bases upstream of the start codon, T replaced by G.
Molecular consequence: 5 prime UTR variant.
Genome position (GRCh38, 1-based): chr13:48,303,911, T>G. VCF-style: chr13-48303911-T-G. GRCh37 (hg19) VCF-style: chr13-48878047-T-G.
Other names: c.-2T>G (NM_001407165.1, NM_001407166.1, NM_001407167.1).
Identifiers: ClinVar variation 822549 (VCV000822549.7), dbSNP rs1466986201, ClinGen allele CA698656526.

ClinVar aggregate classification (germline): Uncertain significance. Review status: criteria provided, multiple submitters, no conflicts (2 of 4 stars). 4 submissions from 4 submitters: Uncertain significance (4). Last evaluated 2025-07-24.

Conditions:
Retinoblastoma (RB1). Also called: RETINOBLASTOMA, SOMATIC. Identifiers: Orphanet 790, MedGen C0035335, MeSH D012175, MONDO:0008380, OMIM 180200, HP:0009919. Disease mechanism: loss of function. Inheritance: Both sporadic and heritable forms are tested..
Hereditary cancer-predisposing syndrome. Also called: Tumor predisposition; Hereditary Cancer Syndrome; Neoplastic Syndromes, Hereditary; Hereditary neoplastic syndrome. Identifiers: Orphanet 140162, MedGen C0027672, MeSH D009386, MONDO:0015356.

Allele frequency attached by ClinVar (database versions not stated): TOPMed below 0.00001.

Submissions (4):

Labcorp Genetics (formerly Invitae), Labcorp
Classification: Uncertain significance for Retinoblastoma. Last evaluated: 2025-07-24. Review status: criteria provided, single submitter. Criteria: Invitae Variant Classification Sherloc (09022015). Collection method: clinical testing. Allele origin: germline.
Comment: This variant occurs in a non-coding region of the RB1 gene. It does not change the encoded amino acid sequence of the RB1 protein. This variant is not present in population databases (gnomAD no frequency). This variant has not been reported in the literature in individuals affected with RB1-related conditions. ClinVar contains an entry for this variant (Variation ID: 822549). In summary, the available evidence is currently insufficient to determine the role of this variant in disease. Therefore, it has been classified as a Variant of Uncertain Significance.

Color Diagnostics, LLC DBA Color Health
Classification: Uncertain significance for Retinoblastoma. Last evaluated: 2025-07-21. Review status: criteria provided, single submitter. Criteria: ACMG Guidelines, 2015. Collection method: clinical testing. Allele origin: germline.
Comment: This variant causes a T to G nucleotide substitution at the -2 position in the 5' untranslated region in the RB1 gene. To our knowledge, functional studies have not been reported for this variant. This variant has not been reported in individuals affected with RB1-related disorders in the literature. This variant has not been identified in the general population by the Genome Aggregation Database (gnomAD). The available evidence is insufficient to determine the role of this variant in disease conclusively. Therefore, this variant is classified as a Variant of Uncertain Significance.

Ambry Genetics
Classification: Uncertain significance for Hereditary cancer-predisposing syndrome. Last evaluated: 2023-09-09. Review status: criteria provided, single submitter. Criteria: Ambry Variant Classification Scheme 2023. Collection method: clinical testing. Allele origin: germline.
Comment: The c.-2T>G variant is located in the 5' untranslated region (5&rsquo; UTR) of the RB1 gene. This variant results from a T to G substitution 2 bases upstream from the first translated codon. This nucleotide position is highly conserved in available vertebrate species. Since supporting evidence is limited at this time, the clinical significance of this alteration remains unclear.

All of Us Research Program, National Institutes of Health
Classification: Uncertain significance for Retinoblastoma. Last evaluated: 2023-05-04. Review status: criteria provided, single submitter. Criteria: ACMG Guidelines, 2015. Collection method: clinical testing. Allele origin: germline. Inheritance: Autosomal dominant inheritance. Observed: 1 variant allele, 1 heterozygote.
Comment: This variant causes a T to G nucleotide substitution at the -2 position in the 5' untranslated region in the RB1 gene. To our knowledge, functional studies have not been reported for this variant. This variant has not been reported in individuals affected with RB1-related disorders in the literature. This variant has not been identified in the general population by the Genome Aggregation Database (gnomAD). The available evidence is insufficient to determine the role of this variant in disease conclusively. Therefore, this variant is classified as a Variant of Uncertain Significance.

This study involves interpretation of variants in research participants for the purpose of population health screening. Participant phenotype was not available at the time of variant classification. Additional details can be found in publication PMID: 35346344, PMCID: PMC8962531